The following is an entry in ClinVar:

ClinVar aggregate classification (germline): Uncertain significance (1 of 4 stars; one submission).

Conditions:
FG syndrome (FGS). Identifiers: MedGen C0220769, MONDO:0002010.

Submission:

Labcorp Genetics (formerly Invitae), Labcorp
Classification: Uncertain significance for FG syndrome. Last evaluated: 2023-07-07. Review status: criteria provided, single submitter. Criteria: Invitae Variant Classification Sherloc (09022015). Collection method: clinical testing. Allele origin: germline.
Comment: This variant is not present in population databases (gnomAD no frequency). This sequence change falls in intron 16 of the MED12 gene. It does not directly change the encoded amino acid sequence of the MED12 protein. This variant has not been reported in the literature in individuals affected with MED12-related conditions. In summary, the available evidence is currently insufficient to determine the role of this variant in disease. Therefore, it has been classified as a Variant of Uncertain Significance. Algorithms developed to predict the effect of sequence changes on RNA splicing suggest that this variant may disrupt the consensus splice site.

NM_005120.3(MED12):c.2372-15T>A

Gene: MED12 (mediator complex subunit 12; plus strand). Cytogenetic location: Xq13.1.
Variant type: single nucleotide variant.
Coding change: c.2372-15T>A on transcript NM_005120.3 (MANE Select); 15 bases into the intron before coding-DNA position 2372, T replaced by A.
Molecular consequence: intron variant.
Genome position (GRCh38, 1-based): chrX:71,125,648, T>A. VCF-style: chrX-71125648-T-A. GRCh37 (hg19) VCF-style: chrX-70345498-T-A.
Identifiers: ClinVar variation 2769636 (VCV002769636.3), dbSNP rs2519680429, ClinGen allele CA2524479554.